The following is an entry in ClinVar:

NM_005751.5(AKAP9):c.2473_2478del (p.Leu825_Ile826del)

Gene: AKAP9 (A-kinase anchoring protein 9; plus strand). Cytogenetic location: 7q21.2.
Variant type: Deletion.
Coding change: c.2473_2478del on transcript NM_005751.5 (MANE Select); coding-DNA positions 2473 to 2478, 6 bases deleted (CTTATA; older notation c.2473_2478delCTTATA).
Protein change: p.Leu825_Ile826del.
Molecular consequence: inframe deletion.
Genome position (GRCh38, 1-based): chr7:92,002,390-92,002,395, CTTATA deleted; deleting any 6 consecutive bases within chr7:92,002,387-92,002,395 gives the same sequence; the c. name uses the placement nearest the transcript's 3' end. VCF-style (leftmost placement, unchanged base first): chr7-92002386-AATACTT-A. GRCh37 (hg19) VCF-style: chr7-91631700-AATACTT-A.
Other names: c.2473_2478del, p.Leu825_Ile826del (NM_147185.3).
Identifiers: ClinVar variation 2449776 (VCV002449776.2), dbSNP rs776845991, ClinGen allele CA4336141.

ClinVar aggregate classification (germline): Uncertain significance (1 of 4 stars; one submission).

Conditions:
Cardiovascular phenotype. Identifiers: MedGen CN230736.

Submission:

Ambry Genetics
Classification: Uncertain significance for Cardiovascular phenotype. Last evaluated: 2023-02-15. Review status: criteria provided, single submitter. Criteria: Ambry Variant Classification Scheme 2023. Collection method: clinical testing. Allele origin: germline.
Comment: The c.2473_2478delCTTATA variant (also known as p.L825_I826del) is located in coding exon 8 of the AKAP9 gene. This variant results from an in-frame CTTATA deletion at nucleotide positions 2473 to 2478. This results in the in-frame deletion of a leucine and isoleucine at codons 825 and 826. This amino acid region is not well conserved in available vertebrate species. In addition, the in silico prediction for this alteration is inconclusive (Choi Y et al. PLoS ONE. 2012; 7(10):e46688). The evidence for this gene-disease relationship is limited; therefore, the clinical significance of this alteration is unclear.